The following is an entry in ClinVar:

NM_001287491.2(TET3):c.3585G>A (p.Ala1195=)

Gene: TET3 (tet methylcytosine dioxygenase 3; plus strand). Cytogenetic location: 2p13.1.
Variant type: single nucleotide variant.
Coding change: c.3585G>A on transcript NM_001287491.2 (MANE Select); coding-DNA position 3585, G replaced by A.
Protein change: p.Ala1195=; no amino-acid change (alanine 1195 retained).
Molecular consequence: synonymous variant.
Genome position (GRCh38, 1-based): chr2:74,099,593, G>A. VCF-style: chr2-74099593-G-A. GRCh37 (hg19) VCF-style: chr2-74326720-G-A.
Other names: c.3306G>A, p.Ala1102= (NM_001366022.1); c.3180G>A, p.Ala1060= (NM_144993.1).
Identifiers: ClinVar variation 3053160 (VCV003053160.7), dbSNP rs199813676, ClinGen allele CA1719030.

ClinVar aggregate classification (germline): Likely benign. Review status: criteria provided, single submitter (1 of 4 stars). 2 submissions from 2 submitters: Likely benign (1). 1 of the submissions does not count toward it. Last evaluated 2025-12-01.

Conditions:
TET3-related disorder. Also called: TET3-Related Disease; TET3-related condition.

Allele frequency attached by ClinVar (database versions not stated): ExAC 0.00047; ESP Exome Variant Server 0.00056; 1000 Genomes Project 0.00080; 1000 Genomes Project 30x 0.00094; gnomAD 0.00116; TOPMed 0.00124.
gnomAD v4.1: 358 of 1,587,272 alleles (0.023%); highest among the groups gnomAD compares: African/African-American, 0.39%; no homozygotes.

Submissions (2):

CeGaT Center for Human Genetics Tuebingen
Classification: Likely benign. Last evaluated: 2025-12-01. Review status: criteria provided, single submitter. Criteria: CeGaT Center For Human Genetics Tuebingen Variant Classification Criteria Version 2. Collection method: clinical testing. Allele origin: germline. Affected: yes. Observed: 1 variant allele.
Comment: TET3: BP4, BP7

PreventionGenetics, part of Exact Sciences
Classification: Likely benign for TET3-related condition. Last evaluated: 2019-11-07. Review status: no assertion criteria provided. Collection method: clinical testing. Allele origin: germline. Not counted in ClinVar's aggregate classification.
Comment: This variant is classified as likely benign based on ACMG/AMP sequence variant interpretation guidelines (Richards et al. 2015 PMID: 25741868, with internal and published modifications).